The following is an entry in ClinVar:

ClinVar aggregate classification (germline): Conflicting classifications of pathogenicity. Review status: criteria provided, conflicting classifications (1 of 4 stars). 3 submissions from 3 submitters: Uncertain significance (2); Likely benign (1). Last evaluated 2026-08-11.

Conditions:
Inborn genetic diseases. Identifiers: MedGen C0950123, MeSH D030342.
Pontocerebellar hypoplasia type 3 (PCH3). Also called: PCH WITH OPTIC ATROPHY; CEREBELLAR ATROPHY WITH PROGRESSIVE MICROCEPHALY. Identifiers: Orphanet 97249, MedGen C1842687, MONDO:0011948, OMIM 608027.

Allele frequency attached by ClinVar (database versions not stated): gnomAD exomes 0.00008 and 0.00010; TOPMed 0.00008; gnomAD 0.00006; ExAC 0.00012; ESP Exome Variant Server 0.00016.
gnomAD v4.1: 134 of 1,613,286 alleles (0.0083%); highest among the groups gnomAD compares: Non-Finnish European, 0.01%; no homozygotes.

Submissions (3):

Ambry Genetics
Classification: Likely benign for Inborn genetic diseases. Last evaluated: 2026-08-11. Review status: criteria provided, single submitter. Criteria: Ambry Variant Classification Scheme 2023. Collection method: clinical testing. Allele origin: germline.

Labcorp Genetics (formerly Invitae), Labcorp
Classification: Uncertain significance. Last evaluated: 2024-11-11. Review status: criteria provided, single submitter. Criteria: Invitae Variant Classification Sherloc (09022015). Collection method: clinical testing. Allele origin: germline.
Comment: This sequence change replaces isoleucine, which is neutral and non-polar, with valine, which is neutral and non-polar, at codon 4026 of the PCLO protein (p.Ile4026Val). This variant is present in population databases (rs374336010, gnomAD 0.02%). This variant has not been reported in the literature in individuals affected with PCLO-related conditions. ClinVar contains an entry for this variant (Variation ID: 1364339). Experimental studies and prediction algorithms are not available or were not evaluated, and the functional significance of this variant is currently unknown. In summary, the available evidence is currently insufficient to determine the role of this variant in disease. Therefore, it has been classified as a Variant of Uncertain Significance.

Department of Pathology and Laboratory Medicine, Sinai Health System
Classification: Uncertain significance for Pontocerebellar hypoplasia type 3. Last evaluated: 2021-12-10. Review status: criteria provided, single submitter. Criteria: ACMG Guidelines, 2015. Collection method: research. Allele origin: germline.

NM_033026.6(PCLO):c.12076A>G (p.Ile4026Val)

Gene: PCLO (piccolo presynaptic cytomatrix protein; minus strand). Cytogenetic location: 7q21.11.
Variant type: single nucleotide variant.
Coding change: c.12076A>G on transcript NM_033026.6 (MANE Select); coding-DNA position 12076, A replaced by G.
Protein change: p.Ile4026Val; replaces isoleucine 4026 with valine.
Molecular consequence: missense variant.
Genome position (GRCh38, 1-based): chr7:82,915,910, T>C on the plus strand (A>G on the coding strand, the complement: PCLO is on the minus strand). VCF-style: chr7-82915910-T-C. GRCh37 (hg19) VCF-style: chr7-82545226-T-C.
Other names: c.12076A>G, p.Ile4026Val (NM_014510.3); c.12076A>G (NM_033026.5); short protein forms I4026V.
Identifiers: ClinVar variation 1364339 (VCV001364339.8), dbSNP rs374336010, ClinGen allele CA4319443.